The following is an entry in ClinVar:

ClinVar aggregate classification (germline): Uncertain significance (1 of 4 stars; one submission).

Submission:

Mayo Clinic Laboratories, Mayo Clinic
Classification: Uncertain significance. Last evaluated: 2025-05-07. Review status: criteria provided, single submitter. Criteria: ACMG Guidelines, 2015. Collection method: clinical testing. Allele origin: germline. Observed: 1 variant allele.
Comment: PM2_supporting

NM_000037.4(ANK1):c.1602G>A (p.Lys534=)

Gene: ANK1 (ankyrin 1; minus strand). Cytogenetic location: 8p11.21.
Variant type: single nucleotide variant.
Coding change: c.1602G>A on transcript NM_000037.4 (MANE Select); coding-DNA position 1602, G replaced by A.
Protein change: p.Lys534=; no amino-acid change (lysine 534 retained).
Molecular consequence: synonymous variant.
Genome position (GRCh38, 1-based): chr8:41,715,652, C>T on the plus strand (G>A on the coding strand, the complement: ANK1 is on the minus strand). VCF-style: chr8-41715652-C-T. GRCh37 (hg19) VCF-style: chr8-41573170-C-T.
Other names: p.Lys534=; c.1701G>A, p.Lys567= (NM_001142446.2); c.1602G>A, p.Lys534= (NM_020475.3, NM_020476.3, NM_020477.3).
Identifiers: ClinVar variation 4541368 (VCV004541368.1).